The following is an entry in ClinVar:

NM_001244008.2(KIF1A):c.146G>A (p.Ser49Asn)

Gene: KIF1A (kinesin family member 1A; minus strand). Cytogenetic location: 2q37.3.
Variant type: single nucleotide variant.
Coding change: c.146G>A on transcript NM_001244008.2 (MANE Select); coding-DNA position 146, G replaced by A.
Protein change: p.Ser49Asn; replaces serine 49 with asparagine.
Molecular consequence: missense variant.
Genome position (GRCh38, 1-based): chr2:240,789,273, C>T on the plus strand (G>A on the coding strand, the complement: KIF1A is on the minus strand). VCF-style: chr2-240789273-C-T. GRCh37 (hg19) VCF-style: chr2-241728690-C-T.
Other names: c.146G>A, p.Ser49Asn (NM_001320705.2, NM_001330289.2, NM_001330290.2 and 21 more transcripts); short protein forms S49N.
Identifiers: ClinVar variation 2941673 (VCV002941673.3), dbSNP rs2538462517, ClinGen allele CA351311756.
Genomic context (GRCh38, chr2:240,789,273, plus strand): 5'-CCCGACCCGGGGTCCCGGCTTACTGAGGTGTGCGACCAGTAGGAGTAGTCAAAGCTGAAG[C>T]TTTTGGGCGTCTCCTTGGGCTGTTTGGGGTTAACAATGGCTGTGGGAGGGAACACAGGTG-3'
Protein context (NP_001230937.1, residues 39-59): NPKQPKETPK[Ser49Asn]FSFDYSYWSH

ClinVar aggregate classification (germline): Uncertain significance (1 of 4 stars; one submission).

Conditions:
Neuropathy, hereditary sensory, type 2C. Also called: KIF1A-Related HSAN2 (HSAN2C); Hereditary sensory and autonomic neuropathy type IIC. Identifiers: Orphanet 970, MedGen C3280168, MONDO:0013634, OMIM 614213.
Hereditary spastic paraplegia 30. Identifiers: Orphanet 101010, MedGen C5235139, MONDO:0012476.
Intellectual disability, autosomal dominant 9 (NESCAVS). Also called: NESCAV SYNDROME; KIF1A-Related Neurodevelopmental Disorder. Identifiers: Orphanet 662367, MedGen C5393830, MONDO:0013656, OMIM 614255.

Submission:

Labcorp Genetics (formerly Invitae), Labcorp
Classification: Uncertain significance for Hereditary spastic paraplegia 30; Neuropathy, hereditary sensory, type 2C; Intellectual disability, autosomal dominant 9. Last evaluated: 2025-11-12. Review status: criteria provided, single submitter. Criteria: Invitae Variant Classification Sherloc (09022015). Collection method: clinical testing. Allele origin: germline.
Comment: This sequence change replaces serine, which is neutral and polar, with asparagine, which is neutral and polar, at codon 49 of the KIF1A protein (p.Ser49Asn). This variant is not present in population databases (gnomAD no frequency). This variant has not been reported in the literature in individuals affected with KIF1A-related conditions. ClinVar contains an entry for this variant (Variation ID: 2941673). Invitae Evidence Modeling of protein sequence and biophysical properties (such as structural, functional, and spatial information, amino acid conservation, physicochemical variation, residue mobility, and thermodynamic stability) indicates that this missense variant is expected to disrupt KIF1A protein function with a positive predictive value of 95%. In summary, the available evidence is currently insufficient to determine the role of this variant in disease. Therefore, it has been classified as a Variant of Uncertain Significance.